The following is an entry in ClinVar:

ClinVar aggregate classification (germline): Uncertain significance (1 of 4 stars; one submission).

Conditions:
Spermatogenic failure 18. Identifiers: MedGen C4539783, MONDO:0054615, OMIM 617576.
Ciliary dyskinesia, primary, 37 (CILD37). Also called: CILIARY DYSKINESIA, PRIMARY, 37, WITH OR WITHOUT SITUS INVERSUS. Identifiers: MedGen C4539798, MONDO:0033204, OMIM 617577.

Submission:

Juno Genomics, Hangzhou Juno Genomics, Inc
Classification: Uncertain significance for Spermatogenic failure 18; Ciliary dyskinesia, primary, 37. Review status: criteria provided, single submitter. Criteria: ACMG Guidelines, 2015. Collection method: clinical testing. Allele origin: germline.
Comment: Absent from controls (or at extremely low frequency if recessive) in Genome Aggregation Database.

NM_015512.5(DNAH1):c.9331C>T (p.Gln3111Ter)

Gene: DNAH1 (dynein axonemal heavy chain 1; plus strand). Cytogenetic location: 3p21.1.
Variant type: single nucleotide variant.
Coding change: c.9331C>T on transcript NM_015512.5 (MANE Select); coding-DNA position 9331, C replaced by T.
Protein change: p.Gln3111Ter; replaces glutamine 3111 with a stop codon.
Molecular consequence: nonsense.
Genome position (GRCh38, 1-based): chr3:52,388,577, C>T. VCF-style: chr3-52388577-C-T. GRCh37 (hg19) VCF-style: chr3-52422593-C-T.
Other names: short protein forms Q3111*.
Identifiers: ClinVar variation 5006656 (VCV005006656.2).